The following is an entry in ClinVar:

NM_001374736.1(DST):c.15083G>C (p.Ser5028Thr)

Gene: DST (dystonin; minus strand). Cytogenetic location: 6p12.1.
Variant type: single nucleotide variant.
Coding change: c.15083G>C on transcript NM_001374736.1 (MANE Select); coding-DNA position 15083, G replaced by C.
Protein change: p.Ser5028Thr; replaces serine 5028 with threonine.
Molecular consequence: missense variant.
Genome position (GRCh38, 1-based): chr6:56,555,398, C>G on the plus strand (G>C on the coding strand, the complement: DST is on the minus strand). VCF-style: chr6-56555398-C-G. GRCh37 (hg19) VCF-style: chr6-56420196-C-G.
Other names: c.8726G>C, p.Ser2909Thr (NM_001144769.5); c.8312G>C, p.Ser2771Thr (NM_001144770.2); c.15083G>C, p.Ser5028Thr (NM_001374722.1); c.14450G>C, p.Ser4817Thr (NM_001374729.1); c.8192G>C, p.Ser2731Thr (NM_001374730.1, NM_001386100.1, NM_183380.4); c.15110G>C, p.Ser5037Thr (NM_001374734.1); c.7214G>C, p.Ser2405Thr (NM_015548.5); short protein forms S2731T, S2771T, S2909T, S4817T, S5037T, S2405T, S5028T.
Identifiers: ClinVar variation 4791691 (VCV004791691.1).

ClinVar aggregate classification (germline): Uncertain significance (1 of 4 stars; one submission).

Conditions:
Epidermolysis bullosa simplex 3, localized or generalized intermediate, with BP230 deficiency (EBS3). Also called: Epidermolysis bullosa simplex, autosomal recessive 2; Epidermolysis bullosa simplex due to BP230 deficiency. Identifiers: Orphanet 412181, MedGen C3809470, MONDO:0014180, OMIM 615425.
Hereditary sensory and autonomic neuropathy type 6. Also called: HSAN VI; Neuropathy, hereditary sensory and autonomic, type VI. Identifiers: Orphanet 314381, MedGen C3539003, MONDO:0013839, OMIM 614653.

gnomAD v4.1: 1 of 1,611,296 alleles (0.000062%); highest among the groups gnomAD compares: Non-Finnish European, 0.000085%; no homozygotes.

Submission:

Labcorp Genetics (formerly Invitae), Labcorp
Classification: Uncertain significance for Epidermolysis bullosa simplex 3, localized or generalized intermediate, with BP230 deficiency; Hereditary sensory and autonomic neuropathy type 6. Last evaluated: 2025-05-13. Review status: criteria provided, single submitter. Criteria: Invitae Variant Classification Sherloc (09022015). Collection method: clinical testing. Allele origin: germline.
Comment: The DST gene has multiple clinically relevant transcripts. This variant occurs in alternate transcript NM_015548.4, and corresponds to c.*60119G>C (Non-coding) in the primary transcript. This sequence change replaces serine, which is neutral and polar, with threonine, which is neutral and polar, at codon 2405 of the DST protein (p.Ser2405Thr). This variant is not present in population databases (gnomAD no frequency). This variant has not been reported in the literature in individuals affected with DST-related conditions. Experimental studies and prediction algorithms are not available or were not evaluated, and the functional significance of this variant is currently unknown. In summary, the available evidence is currently insufficient to determine the role of this variant in disease. Therefore, it has been classified as a Variant of Uncertain Significance.